The following is an entry in ClinVar:

NM_001793.6(CDH3):c.1789G>A (p.Glu597Lys)

Gene: CDH3 (cadherin 3; plus strand). Cytogenetic location: 16q22.1.
Variant type: single nucleotide variant.
Coding change: c.1789G>A on transcript NM_001793.6 (MANE Select); coding-DNA position 1789, G replaced by A.
Protein change: p.Glu597Lys; replaces glutamic acid 597 with lysine.
Molecular consequence: missense variant.
Genome position (GRCh38, 1-based): chr16:68,687,730, G>A. VCF-style: chr16-68687730-G-A. GRCh37 (hg19) VCF-style: chr16-68721633-G-A.
Other names: c.1789G>A, p.Glu597Lys (NM_001317195.3); c.1624G>A, p.Glu542Lys (NM_001317196.2); short protein forms E597K, E542K.
Identifiers: ClinVar variation 1521883 (VCV001521883.8), dbSNP rs763880904, ClinGen allele CA283283146.

ClinVar aggregate classification (germline): Uncertain significance (1 of 4 stars; one submission).

Allele frequency attached by ClinVar (database versions not stated): gnomAD exomes below 0.00001; TOPMed 0.00001.
gnomAD v4.1: 5 of 1,613,054 alleles (0.00031%); highest among the groups gnomAD compares: Non-Finnish European, 0.00034%; no homozygotes.

Submission:

Labcorp Genetics (formerly Invitae), Labcorp
Classification: Uncertain significance. Last evaluated: 2022-09-27. Review status: criteria provided, single submitter. Criteria: Invitae Variant Classification Sherloc (09022015). Collection method: clinical testing. Allele origin: germline.
Comment: This sequence change replaces glutamic acid, which is acidic and polar, with lysine, which is basic and polar, at codon 597 of the CDH3 protein (p.Glu597Lys). This variant is not present in population databases (gnomAD no frequency). This variant has not been reported in the literature in individuals affected with CDH3-related conditions. ClinVar contains an entry for this variant (Variation ID: 1521883). Advanced modeling of protein sequence and biophysical properties (such as structural, functional, and spatial information, amino acid conservation, physicochemical variation, residue mobility, and thermodynamic stability) performed at Invitae indicates that this missense variant is not expected to disrupt CDH3 protein function. In summary, the available evidence is currently insufficient to determine the role of this variant in disease. Therefore, it has been classified as a Variant of Uncertain Significance.